The following is an entry in ClinVar:

NM_015650.4(TRAF3IP1):c.1987A>G (p.Lys663Glu)

Gene: TRAF3IP1 (TRAF3 interacting protein 1; plus strand). Cytogenetic location: 2q37.3.
Variant type: single nucleotide variant.
Coding change: c.1987A>G on transcript NM_015650.4 (MANE Select); coding-DNA position 1987, A replaced by G.
Protein change: p.Lys663Glu; replaces lysine 663 with glutamic acid.
Molecular consequence: missense variant.
Genome position (GRCh38, 1-based): chr2:238,398,830, A>G. VCF-style: chr2-238398830-A-G. GRCh37 (hg19) VCF-style: chr2-239307471-A-G.
Other names: c.1789A>G, p.Lys597Glu (NM_001139490.1); c.1987A>G (NM_015650.3); short protein forms K597E, K663E.
Identifiers: ClinVar variation 3765646 (VCV003765646.2).

ClinVar aggregate classification (germline): Uncertain significance. Review status: criteria provided, multiple submitters, no conflicts (2 of 4 stars). 2 submissions from 2 submitters: Uncertain significance (2). Last evaluated 2025-08-29.

Conditions:
Inborn genetic diseases. Identifiers: MedGen C0950123, MeSH D030342.

gnomAD v4.1: 7 of 1,613,544 alleles (0.00043%); highest among the groups gnomAD compares: African/African-American, 0.008%; no homozygotes.

Submissions (2):

Ambry Genetics
Classification: Uncertain significance for Inborn genetic diseases. Last evaluated: 2025-08-29. Review status: criteria provided, single submitter. Criteria: Ambry Variant Classification Scheme 2023. Collection method: clinical testing. Allele origin: germline.

Greenwood Genetic Center Diagnostic Laboratories, Greenwood Genetic Center
Classification: Uncertain significance. Last evaluated: 2024-09-16. Review status: criteria provided, single submitter. Criteria: ACMG Guidelines, 2015. Collection method: clinical testing. Allele origin: germline. Affected: yes.
Comment: PM2, PP3